The following is an entry in ClinVar:

ClinVar aggregate classification (germline): Likely benign (1 of 4 stars; one submission).

Allele frequency attached by ClinVar (database versions not stated): TOPMed 0.00002; gnomAD 0.00003; gnomAD exomes 0.00003; ExAC 0.00005.

Submission:

CeGaT Center for Human Genetics Tuebingen
Classification: Likely benign. Last evaluated: 2022-04-01. Review status: criteria provided, single submitter. Criteria: CeGaT Center For Human Genetics Tuebingen Variant Classification Criteria Version 2. Collection method: clinical testing. Allele origin: germline. Affected: yes. Observed: 1 variant allele.
Comment: MUC2: BP4, BP7

NM_002457.5(MUC2):c.1887C>T (p.Cys629=)

Gene: MUC2 (mucin 2, oligomeric mucus/gel-forming; plus strand). Cytogenetic location: 11p15.5.
Variant type: single nucleotide variant.
Coding change: c.1887C>T on transcript NM_002457.5 (MANE Select); coding-DNA position 1887, C replaced by T.
Protein change: p.Cys629=; no amino-acid change (cysteine 629 retained).
Molecular consequence: synonymous variant.
Genome position (GRCh38, 1-based): chr11:1,084,642, C>T. VCF-style: chr11-1084642-C-T. GRCh37 (hg19) VCF-style: chr11-1082638-C-T.
Identifiers: ClinVar variation 2641121 (VCV002641121.24), dbSNP rs748270116, ClinGen allele CA5798757.
Genomic context (GRCh38, chr11:1,084,642, plus strand): 5'-TGTCGCCCAGAGGTGCAAATATGACACGTGTAACTGTCAGAACAATGAGGACTGCCTGTG[C>T]GCCGCCCTGTCCTCCTACGCGCGCGCCTGCACCGCCAAGGGCGTCATGCTGTGGGGCTGG-3'
Protein context (NP_002448.5, residues 619-639): CNCQNNEDCL[Cys629=]AALSSYARAC